The following is an entry in ClinVar:

NM_001273.5(CHD4):c.3879+6T>C

Gene: CHD4 (chromodomain helicase DNA binding protein 4; minus strand). Cytogenetic location: 12p13.31.
Variant type: single nucleotide variant.
Coding change: c.3879+6T>C on transcript NM_001273.5 (MANE Select); 6 bases into the intron after coding-DNA position 3879, T replaced by C.
Molecular consequence: intron variant.
Genome position (GRCh38, 1-based): chr12:6,587,378, A>G on the plus strand (T>C on the coding strand, the complement: CHD4 is on the minus strand). VCF-style: chr12-6587378-A-G. GRCh37 (hg19) VCF-style: chr12-6696544-A-G.
Other names: c.3840+6T>C (NM_001363606.2); c.3858+6T>C (NM_001297553.2).
Identifiers: ClinVar variation 4882868 (VCV004882868.2).
Genomic context (GRCh38, chr12:6,587,378, plus strand): 5'-CCTTGGTCTCAATGCCAATTTTCAGACCAATTACCAAGCACAGGATTGCCTTGGATTCAT[A>G]CTCACCCCCATTTCTTCTTCCCGTACCACATACTGGGCCACTTTGAATGAGCTCAAATAT-3'

ClinVar aggregate classification (germline): Uncertain significance (1 of 4 stars; one submission).

Conditions:
Sifrim-Hitz-Weiss syndrome (SIHIWES). Also called: SIFRIM-HITZ-WEISS MULTIPLE CONGENITAL ANOMALIES-MENTAL RETARDATION SYNDROME; CHD4 Neurodevelopmental Disorder. Identifiers: Orphanet 653712, MedGen C4310688, MONDO:0014946, OMIM 617159.

Submission:

Dasa
Classification: Uncertain significance for Sifrim-Hitz-Weiss syndrome. Last evaluated: 2026-01-26. Review status: criteria provided, single submitter. Criteria: DASA Assertion Criteria. Collection method: clinical testing. Allele origin: germline.
Comment: NM_001273.5(CHD4):c.3879+6T>C is a splice-region variant. This variant is rare in population databases. Computational prediction algorithms are consistent with a deleterious effect. The currently available literature and clinical evidence are not sufficient to establish a definitive association between this variant and the reported condition. Therefore, this variant is classified as a variant of uncertain significance.